The following is an entry in ClinVar:

NM_004380.3(CREBBP):c.6027C>T (p.Ser2009=)

Gene: CREBBP (CREB binding lysine acetyltransferase; minus strand). Cytogenetic location: 16p13.3.
Variant type: single nucleotide variant.
Coding change: c.6027C>T on transcript NM_004380.3 (MANE Select); coding-DNA position 6027, C replaced by T.
Protein change: p.Ser2009=; no amino-acid change (serine 2009 retained).
Molecular consequence: synonymous variant.
Genome position (GRCh38, 1-based): chr16:3,729,020, G>A on the plus strand (C>T on the coding strand, the complement: CREBBP is on the minus strand). VCF-style: chr16-3729020-G-A. GRCh37 (hg19) VCF-style: chr16-3779021-G-A.
Other names: c.5913C>T, p.Ser1971= (NM_001079846.1).
Identifiers: ClinVar variation 3029310 (VCV003029310.3), dbSNP rs755512058, ClinGen allele CA7869199.

ClinVar aggregate classification (germline): Benign. Review status: criteria provided, single submitter (1 of 4 stars). 2 submissions from 2 submitters: Benign (1). 1 of the submissions does not count toward it. Last evaluated 2025-11-15.

Conditions:
CREBBP-related disorder. Also called: CREBBP-related condition; CREBBP-related disorders.
Rubinstein-Taybi syndrome (RSTS). Identifiers: Orphanet 783, MedGen C0035934, MONDO:0019188.

Allele frequency attached by ClinVar (database versions not stated): gnomAD 0.00002; ExAC 0.00006.
gnomAD v4.1: 35 of 1,591,014 alleles (0.0022%); highest among the groups gnomAD compares: South Asian, 0.027%; 1 homozygote.

Submissions (2):

Labcorp Genetics (formerly Invitae), Labcorp
Classification: Benign for Rubinstein-Taybi syndrome. Last evaluated: 2025-11-15. Review status: criteria provided, single submitter. Criteria: Invitae Variant Classification Sherloc (09022015). Collection method: clinical testing. Allele origin: germline.

PreventionGenetics, part of Exact Sciences
Classification: Likely benign for CREBBP-related condition. Last evaluated: 2021-06-28. Review status: no assertion criteria provided. Collection method: clinical testing. Allele origin: germline. Not counted in ClinVar's aggregate classification.
Comment: This variant is classified as likely benign based on ACMG/AMP sequence variant interpretation guidelines (Richards et al. 2015 PMID: 25741868, with internal and published modifications).